The following is an entry in ClinVar:

NM_001830.4(CLCN4):c.1064C>T (p.Ala355Val)

Gene: CLCN4 (chloride voltage-gated channel 4; plus strand). Cytogenetic location: Xp22.2.
Variant type: single nucleotide variant.
Coding change: c.1064C>T on transcript NM_001830.4 (MANE Select); coding-DNA position 1064, C replaced by T.
Protein change: p.Ala355Val; replaces alanine 355 with valine.
Molecular consequence: missense variant.
Genome position (GRCh38, 1-based): chrX:10,208,265, C>T. VCF-style: chrX-10208265-C-T. GRCh37 (hg19) VCF-style: chrX-10176305-C-T.
Other names: c.782C>T, p.Ala261Val (NM_001256944.2); short protein forms A261V, A355V.
Identifiers: ClinVar variation 2418353 (VCV002418353.6), dbSNP rs2518885416, ClinGen allele CA412037772.

ClinVar aggregate classification (germline): Uncertain significance (1 of 4 stars; one submission).

Allele frequency attached by ClinVar (database versions not stated): gnomAD exomes 0.00001.
gnomAD v4.1: 11 of 1,211,273 alleles (0.00091%); highest among the groups gnomAD compares: Non-Finnish European, 0.0012%; no homozygotes.

Submission:

Labcorp Genetics (formerly Invitae), Labcorp
Classification: Uncertain significance. Last evaluated: 2022-05-21. Review status: criteria provided, single submitter. Criteria: Invitae Variant Classification Sherloc (09022015). Collection method: clinical testing. Allele origin: germline.
Comment: In summary, the available evidence is currently insufficient to determine the role of this variant in disease. Therefore, it has been classified as a Variant of Uncertain Significance. Algorithms developed to predict the effect of missense changes on protein structure and function (SIFT, PolyPhen-2, Align-GVGD) all suggest that this variant is likely to be tolerated. This variant has not been reported in the literature in individuals affected with CLCN4-related conditions. This variant is not present in population databases (gnomAD no frequency). This sequence change replaces alanine, which is neutral and non-polar, with valine, which is neutral and non-polar, at codon 355 of the CLCN4 protein (p.Ala355Val).